The following is an entry in ClinVar:

NM_001378454.1(ALMS1):c.209ACGAGGAGG[3] (p.70DEE[3])

Gene: ALMS1 (ALMS1 centrosome and basal body associated protein; plus strand). Cytogenetic location: 2p13.1.
Variant type: Microsatellite.
Coding change: c.209ACGAGGAGG[3] on transcript NM_001378454.1 (MANE Select); three copies in a row of the 9-base unit ACGAGGAGG starting at c.209; the reference has two copies in a row; one copy, 9 bases duplicated.
Protein change: p.70DEE[3].
Molecular consequence: inframe insertion.
Genome position (GRCh38, 1-based): chr2:73,386,086-73,386,094, ACGAGGAGG duplicated; duplicating any 9 consecutive bases within chr2:73,386,076-73,386,094 gives the same sequence; the position shown is the placement nearest the transcript's 3' end. VCF-style (leftmost placement, unchanged base first): chr2-73386075-C-CGACGAGGAG. GRCh37 (hg19) VCF-style: chr2-73613203-C-CGACGAGGAG.
Other names: c.221_229dupACGAGGAGG (NM_015120.4); c.221_229dup (NM_015120.4); c.212ACGAGGAGG[3], p.71DEE[3] (NM_015120.4); c.220_228dup9 (NM_015120.4).
Identifiers: ClinVar variation 553984 (VCV000553984.7), dbSNP rs772848105, ClinGen allele CA1712767.
Genomic context (GRCh38, chr2:73,386,075, plus strand): 5'-GGCGGGGCGGGAGTTGGACTCCGACTCTCACTACGGGCCCCAGCATCTGGAAAGTATAGA[C>CGACGAGGAG]GACGAGGAGGACGAGGAGGCCAAGGCCTGGCTGCAGGCGCACCCCGGCAGGATTTTGCCT-3'

ClinVar aggregate classification (germline): Uncertain significance. Review status: criteria provided, multiple submitters, no conflicts (2 of 4 stars). 5 submissions from 5 submitters: Uncertain significance (3). 2 of the submissions do not count toward it. Last evaluated 2024-07-19.

Conditions:
ALMS1-related disorder. Also called: ALMS1-related condition.
Cardiovascular phenotype. Identifiers: MedGen CN230736.
Alstrom syndrome (ALMS). Identifiers: Orphanet 64, MedGen C0268425, MONDO:0008763, OMIM 203800.

Submissions (5):

Ambry Genetics
Classification: Uncertain significance for Cardiovascular phenotype. Last evaluated: 2024-07-19. Review status: criteria provided, single submitter. Criteria: Ambry Variant Classification Scheme 2023. Collection method: clinical testing. Allele origin: germline.
Comment: The c.221_229dupACGAGGAGG variant (also known as p.D74_E76dup), located in coding exon 1 of the ALMS1 gene, results from an in-frame duplication of ACGAGGAGG at nucleotide positions 221 to 229. This results in the duplication of 3 extra residues (DEE) between codons 74 and 76. This amino acid region is well conserved in available vertebrate species. In addition, the in silico prediction for this alteration is inconclusive (Choi Y et al. PLoS ONE. 2012; 7(10):e46688). Based on the available evidence, the clinical significance of this variant remains unclear.

GeneDx
Classification: Uncertain significance. Last evaluated: 2023-08-07. Review status: criteria provided, single submitter. Criteria: GeneDx Variant Classification Process June 2021. Collection method: clinical testing. Allele origin: germline. Affected: yes.
Comment: In-frame duplication of 3 amino acids in a non-repeat region; Not observed at significant frequency in large population cohorts (gnomAD); Has not been previously published as pathogenic or benign to our knowledge

Labcorp Genetics (formerly Invitae), Labcorp
Classification: Uncertain significance for Alstrom syndrome. Last evaluated: 2022-09-13. Review status: criteria provided, single submitter. Criteria: Invitae Variant Classification Sherloc (09022015). Collection method: clinical testing. Allele origin: germline.
Comment: This variant, c.221_229dup, results in the insertion of 3 amino acid(s) of the ALMS1 protein (p.Asp74_Glu76dup), but otherwise preserves the integrity of the reading frame. This variant is present in population databases (rs772848105, gnomAD 0.001%). This variant has not been reported in the literature in individuals affected with ALMS1-related conditions. Experimental studies and prediction algorithms are not available or were not evaluated, and the functional significance of this variant is currently unknown. In summary, the available evidence is currently insufficient to determine the role of this variant in disease. Therefore, it has been classified as a Variant of Uncertain Significance.

PreventionGenetics, part of Exact Sciences
Classification: Uncertain significance for ALMS1-related condition. Last evaluated: 2024-05-15. Review status: no assertion criteria provided. Collection method: clinical testing. Allele origin: germline. Not counted in ClinVar's aggregate classification.
Comment: The ALMS1 c.220_228dup9 variant is predicted to result in an in-frame duplication (p.Glu74_Ala76dup). To our knowledge, this variant has not been reported in the literature. This variant is reported in 0.0010% of alleles in individuals of European (Non-Finnish) descent in gnomAD. At this time, the clinical significance of this variant is uncertain due to the absence of conclusive functional and genetic evidence.

Counsyl
Classification: Uncertain significance for Alstrom syndrome. Last evaluated: 2017-10-06. Review status: no assertion criteria provided. Collection method: clinical testing. Allele origin: unknown. Not counted in ClinVar's aggregate classification.